The following is an entry in ClinVar:

NM_000038.6(APC):c.729+2222C>A

Gene: APC (APC regulator of WNT signaling pathway; plus strand). Cytogenetic location: 5q22.2.
Variant type: single nucleotide variant.
Coding change: c.729+2222C>A on transcript NM_000038.6 (MANE Select); 2222 bases into the intron after coding-DNA position 729, C replaced by A.
Molecular consequence: intron variant.
Genome position (GRCh38, 1-based): chr5:112,794,751, C>A. VCF-style: chr5-112794751-C-A. GRCh37 (hg19) VCF-style: chr5-112130448-C-A.
Other names: c.729+2222C>A (NM_001354895.2, NM_001127510.3, NM_001354896.2 and 1 more transcripts); c.759+2222C>A (NM_001354897.2, NM_001354902.2); c.676-6528C>A (NM_001127511.3); c.654+2222C>A (NM_001354898.2, NM_001354904.2); c.-307+2222C>A (NM_001354906.2); c.646-6528C>A (NM_001354899.2); c.552+2222C>A (NM_001354900.2, NM_001354901.2, NM_001354905.2).
Identifiers: ClinVar variation 83016 (VCV000083016.2), dbSNP rs77118364, ClinGen allele CA013132.

ClinVar aggregate classification (germline): other (0 of 4 stars; one submission).

Conditions:
Familial colorectal cancer. Identifiers: MedGen CN280943, MONDO:0023113. Disease mechanism: loss of function.

Submission:

Systems Biology Platform Zhejiang California International NanoSystems Institute
Classification: other for Familial colorectal cancer. Review status: no assertion criteria provided. Collection method: not provided. Allele origin: unknown.
ClinVar note: Converted during submission from cancer to other.